The following is an entry in ClinVar:

ClinVar aggregate classification (germline): Uncertain significance (1 of 4 stars; one submission).

Allele frequency attached by ClinVar (database versions not stated): gnomAD 0.00001; gnomAD exomes 0.00001.

Submission:

Labcorp Genetics (formerly Invitae), Labcorp
Classification: Uncertain significance. Last evaluated: 2023-08-30. Review status: criteria provided, single submitter. Criteria: Invitae Variant Classification Sherloc (09022015). Collection method: clinical testing. Allele origin: germline.
Comment: In summary, the available evidence is currently insufficient to determine the role of this variant in disease. Therefore, it has been classified as a Variant of Uncertain Significance. This sequence change creates a premature translational stop signal (p.Leu332Cysfs*16) in the NLRP1 gene. It is expected to result in an absent or disrupted protein product. However, the current clinical and genetic evidence is not sufficient to establish whether loss-of-function variants in NLRP1 cause disease. The frequency data for this variant in the population databases is considered unreliable, as metrics indicate poor data quality at this position in the gnomAD database. This variant has not been reported in the literature in individuals affected with NLRP1-related conditions. ClinVar contains an entry for this variant (Variation ID: 1391419).

NM_033004.4(NLRP1):c.994del (p.Leu332fs)

Gene: NLRP1 (NLR family pyrin domain containing 1; minus strand). Cytogenetic location: 17p13.2.
Variant type: Deletion.
Coding change: c.994del on transcript NM_033004.4 (MANE Select); coding-DNA position 994, one base deleted (C; older notation c.994delC).
Protein change: p.Leu332fs; shifts the reading frame from leucine 332.
Molecular consequence: frameshift variant.
Genome position (GRCh38, 1-based): chr17:5,559,702, G deleted on the plus strand (C on the coding strand, the reverse complement: NLRP1 is on the minus strand). VCF-style (leftmost placement, unchanged base first): chr17-5559701-AG-A. GRCh37 (hg19) VCF-style: chr17-5463021-AG-A.
Other names: c.994del, p.Leu332fs (NM_001033053.3, NM_014922.5, NM_033006.4 and 1 more transcripts); short protein forms L332fs.
Identifiers: ClinVar variation 1391419 (VCV001391419.6), dbSNP rs1317603303, ClinGen allele CA624858847.